The following is an entry in ClinVar:

NM_000051.4(ATM):c.6447T>C (p.Tyr2149=)

Genes: ATM (ATM serine/threonine kinase; plus strand), C11orf65 (chromosome 11 open reading frame 65; minus strand). Cytogenetic location: 11q22.3.
Variant type: single nucleotide variant.
Coding change: c.6447T>C on transcript NM_000051.4 (MANE Select); coding-DNA position 6447, T replaced by C.
Protein change: p.Tyr2149=; no amino-acid change (tyrosine 2149 retained).
Molecular consequence: synonymous variant. On other transcripts: intron variant (2).
Genome position (GRCh38, 1-based): chr11:108,320,053, T>C. VCF-style: chr11-108320053-T-C. GRCh37 (hg19) VCF-style: chr11-108190780-T-C.
Other names: c.6447T>C, p.Tyr2149= (NM_001351834.2); c.641-10982A>G (NM_001330368.2); c.*39-10982A>G (NM_001351110.2).
Identifiers: ClinVar variation 374606 (VCV000374606.88), dbSNP rs1057519167, ClinGen allele CA16043811.

ClinVar aggregate classification (germline): Conflicting classifications of pathogenicity. Review status: criteria provided, conflicting classifications (1 of 4 stars). 5 submissions from 5 submitters: Uncertain significance (1); Benign (1); Likely benign (3). Last evaluated 2025-01-30.

Conditions:
Familial cancer of breast. Also called: hereditary breast carcinoma; Hereditary breast cancer; BREAST CANCER, FAMILIAL. Identifiers: Orphanet 227535, MedGen C0346153, MONDO:0016419, OMIM 114480. Disease mechanism: loss of function.
Ataxia-telangiectasia syndrome (AT). Also called: Ataxia-telangiectasia, complementation group D; Ataxia-telangiectasia, complementation group E; LOUIS-BAR SYNDROME; AT, COMPLEMENTATION GROUP C; ATAXIA-TELANGIECTASIA, COMPLEMENTATION GROUP A; ATAXIA-TELANGIECTASIA, FRESNO VARIANT. Identifiers: Orphanet 100, MedGen C0004135, MONDO:0008840, OMIM 208900.
Hereditary cancer-predisposing syndrome. Also called: Neoplastic Syndromes, Hereditary; Hereditary neoplastic syndrome; Hereditary Cancer Syndrome; Tumor predisposition. Identifiers: Orphanet 140162, MedGen C0027672, MeSH D009386, MONDO:0015356.

Allele frequency attached by ClinVar (database versions not stated): gnomAD exomes below 0.00001; gnomAD 0.00001; TOPMed below 0.00001.

Submissions (5):

Labcorp Genetics (formerly Invitae), Labcorp
Classification: Likely benign for Ataxia-telangiectasia syndrome. Last evaluated: 2025-01-30. Review status: criteria provided, single submitter. Criteria: Invitae Variant Classification Sherloc (09022015). Collection method: clinical testing. Allele origin: germline.

Myriad Genetics, Inc.
Classification: Benign for Familial cancer of breast. Last evaluated: 2024-06-06. Review status: criteria provided, single submitter. Criteria: Myriad Autosomal Dominant, Autosomal Recessive and X-Linked Classification Criteria (2023). Collection method: clinical testing. Allele origin: unknown.
Comment: This variant is considered benign. This variant is a silent/synonymous amino acid change and it is not expected to impact splicing.

Blueprint Genetics
Classification: Likely benign. Last evaluated: 2024-04-19. Review status: criteria provided, single submitter. Criteria: ACMG Guidelines, 2015. Collection method: clinical testing. Allele origin: germline.

Ambry Genetics
Classification: Likely benign for Hereditary cancer-predisposing syndrome. Last evaluated: 2020-04-09. Review status: criteria provided, single submitter. Criteria: Ambry Variant Classification Scheme 2023. Collection method: clinical testing. Allele origin: germline.

CeGaT Center for Human Genetics Tuebingen
Classification: Uncertain significance. Last evaluated: 2016-07-01. Review status: criteria provided, single submitter. Criteria: CeGaT Center For Human Genetics Tuebingen Variant Classification Criteria Version 2. Collection method: clinical testing. Allele origin: germline. Affected: yes. Observed: 1 variant allele.